The following is an entry in ClinVar:

ClinVar aggregate classification (germline): Conflicting classifications of pathogenicity. Review status: criteria provided, conflicting classifications (1 of 4 stars). 4 submissions from 3 submitters: Uncertain significance (1); Benign (2); Likely benign (1). Last evaluated 2026-06-01.

Conditions:
Metaphyseal anadysplasia. Also called: Early-onset regressive form of metaphyseal dysplasia. Identifiers: Orphanet 1040, MedGen C0432226, MONDO:0015177.
Spondyloepimetaphyseal dysplasia, Missouri type. Identifiers: Orphanet 1040, Orphanet 93356, MedGen C1865832, MONDO:0011198, OMIM 602111.

Allele frequency attached by ClinVar (database versions not stated): 1000 Genomes Project 30x 0.00031; 1000 Genomes Project 0.00040; TOPMed 0.00075; ESP Exome Variant Server 0.00100; ExAC 0.00189; gnomAD 0.00190 and 0.00200; gnomAD exomes 0.00198.

Submissions (4):

CeGaT Center for Human Genetics Tuebingen
Classification: Likely benign. Last evaluated: 2026-06-01. Review status: criteria provided, single submitter. Criteria: CeGaT Center For Human Genetics Tuebingen Variant Classification Criteria Version 2. Collection method: clinical testing. Allele origin: germline. Affected: yes. Observed: 1 variant allele.
Comment: MMP13: BP4, BS1

Labcorp Genetics (formerly Invitae), Labcorp
Classification: Benign. Last evaluated: 2026-01-07. Review status: criteria provided, single submitter. Criteria: Invitae Variant Classification Sherloc (09022015). Collection method: clinical testing. Allele origin: germline.

Illumina Laboratory Services, Illumina
Classification: Uncertain significance for Spondyloepimetaphyseal dysplasia, Missouri type. Last evaluated: 2018-01-13. Review status: criteria provided, single submitter. Criteria: ICSL Variant Classification Criteria 13 December 2019. Collection method: clinical testing. Allele origin: germline.

Illumina Laboratory Services, Illumina
Classification: Benign for Metaphyseal anadysplasia. Last evaluated: 2018-01-13. Review status: criteria provided, single submitter. Criteria: ICSL Variant Classification Criteria 13 December 2019. Collection method: clinical testing. Allele origin: germline.
Comment: This variant was observed in the ICSL laboratory as part of a predisposition screen in an ostensibly healthy population. It had not been previously curated by ICSL or reported in the Human Gene Mutation Database (HGMD: prior to June 1st, 2018), and was therefore a candidate for classification through an automated scoring system. Utilizing variant allele frequency, disease prevalence and penetrance estimates, and inheritance mode, an automated score was calculated to assess if this variant is too frequent to cause the disease. Based on the score and internal cut-off values, a variant classified as benign is not then subjected to further curation. The score for this variant resulted in a classification of benign for this disease.

NM_002427.4(MMP13):c.52C>T (p.Arg18Trp)

Genes: MMP13 (matrix metallopeptidase 13; minus strand), LOC126861318 (BRD4-independent group 4 enhancer GRCh37_chr11:102825894-102827093; plus strand). Cytogenetic location: 11q22.2.
Variant type: single nucleotide variant.
Coding change: c.52C>T on transcript NM_002427.4 (MANE Select); coding-DNA position 52, C replaced by T.
Protein change: p.Arg18Trp; replaces arginine 18 with tryptophan.
Molecular consequence: missense variant.
Genome position (GRCh38, 1-based): chr11:102,955,654, G>A on the plus strand (C>T on the coding strand, the complement: MMP13 is on the minus strand). VCF-style: chr11-102955654-G-A. GRCh37 (hg19) VCF-style: chr11-102826383-G-A.
Other names: short protein forms R18W.
Identifiers: ClinVar variation 301992 (VCV000301992.17), dbSNP rs61733406, ClinGen allele CA6252090.